The following is an entry in ClinVar:

NM_001166108.2(PALLD):c.2429C>A (p.Pro810Gln)

Genes: CBR4 (carbonyl reductase 4; minus strand), PALLD (palladin, cytoskeletal associated protein; plus strand). Cytogenetic location: 4q32.3.
Variant type: single nucleotide variant.
Coding change: c.2429C>A on transcript NM_001166108.2 (MANE Select); coding-DNA position 2429, C replaced by A.
Protein change: p.Pro810Gln; replaces proline 810 with glutamine.
Molecular consequence: missense variant.
Genome position (GRCh38, 1-based): chr4:168,898,671, C>A. VCF-style: chr4-168898671-C-A. GRCh37 (hg19) VCF-style: chr4-169819822-C-A.
Other names: c.1232C>A, p.Pro411Gln (NM_001166109.2); c.917C>A, p.Pro306Gln (NM_001166110.2); c.257C>A, p.Pro86Gln (NM_001367567.1, NM_001367569.1); c.308C>A, p.Pro103Gln (NM_001367568.1, NM_001367570.1); c.2378C>A, p.Pro793Gln (NM_016081.4); short protein forms P810Q, P306Q, P793Q, P103Q, P411Q, P86Q.
Identifiers: ClinVar variation 1790387 (VCV001790387.5), dbSNP rs2533736461, ClinGen allele CA358799123.

ClinVar aggregate classification (germline): Uncertain significance. Review status: criteria provided, multiple submitters, no conflicts (2 of 4 stars). 2 submissions from 2 submitters: Uncertain significance (2). Last evaluated 2023-02-23.

Conditions:
Pancreatic adenocarcinoma. Identifiers: MedGen C0281361, MONDO:0006047, HP:0006725.

Submissions (2):

Labcorp Genetics (formerly Invitae), Labcorp
Classification: Uncertain significance for Pancreatic adenocarcinoma. Last evaluated: 2023-02-23. Review status: criteria provided, single submitter. Criteria: Invitae Variant Classification Sherloc (09022015). Collection method: clinical testing. Allele origin: germline.
Comment: In summary, the available evidence is currently insufficient to determine the role of this variant in disease. Therefore, it has been classified as a Variant of Uncertain Significance. An algorithm developed to predict the effect of missense changes on protein structure and function (PolyPhen-2) suggests that this variant is likely to be tolerated. ClinVar contains an entry for this variant (Variation ID: 1790387). This variant has not been reported in the literature in individuals affected with PALLD-related conditions. This variant is not present in population databases (gnomAD no frequency). This sequence change replaces proline, which is neutral and non-polar, with glutamine, which is neutral and polar, at codon 306 of the PALLD protein (p.Pro306Gln).

Ambry Genetics
Classification: Uncertain significance. Last evaluated: 2022-02-15. Review status: criteria provided, single submitter. Criteria: Ambry Variant Classification Scheme 2023. Collection method: clinical testing. Allele origin: germline.
Comment: The p.P793Q variant (also known as c.2378C>A), located in coding exon 12 of the PALLD gene, results from a C to A substitution at nucleotide position 2378. The proline at codon 793 is replaced by glutamine, an amino acid with similar properties. This amino acid position is conserved. In addition, this alteration is predicted to be deleterious by in silico analysis. Since supporting evidence is limited at this time, the clinical significance of this alteration remains unclear.